The following is an entry in ClinVar:

NM_000212.3(ITGB3):c.812del (p.Leu271fs)

Genes: ITGB3 (integrin subunit beta 3; plus strand), LOC130061045 (ATAC-STARR-seq lymphoblastoid active region 12309; plus strand). Cytogenetic location: 17q21.32.
Variant type: Deletion.
Coding change: c.812del on transcript NM_000212.3 (MANE Select); coding-DNA position 812, one base deleted (T; older notation c.812delT).
Protein change: p.Leu271fs; shifts the reading frame from leucine 271.
Molecular consequence: frameshift variant.
Genome position (GRCh38, 1-based): chr17:47,287,104, T deleted; the last of 2 consecutive T bases (chr17:47,287,103-47,287,104); deleting either gives the same sequence. VCF-style (leftmost placement, unchanged base first): chr17-47287102-CT-C. GRCh37 (hg19) VCF-style: chr17-45364468-CT-C.
Other names: short protein forms L271fs.
Identifiers: ClinVar variation 4990824 (VCV004990824.1).

ClinVar aggregate classification (germline): Likely pathogenic (1 of 4 stars; one submission).

Conditions:
ITGB3-related disorder. Also called: ITGB3-related condition.

Submission:

PreventionGenetics, part of Exact Sciences
Classification: Likely pathogenic for ITGB3-related condition. Last evaluated: 2025-05-14. Review status: criteria provided, single submitter. Criteria: ACMG Guidelines, 2015. Collection method: clinical testing. Allele origin: germline.
Comment: The ITGB3 c.812delT variant is predicted to result in a frameshift and premature protein termination (p.Leu271Cysfs*12). To our knowledge, this variant has not been reported in the literature or in a large population database (gnomAD), indicating this variant is rare. Frameshift variants in ITGB3 are expected to be pathogenic. This variant is interpreted as likely pathogenic.